The following is an entry in ClinVar:

ClinVar aggregate classification (germline): Uncertain significance (1 of 4 stars; one submission).

Conditions:
Inborn genetic diseases. Identifiers: MedGen C0950123, MeSH D030342.

Allele frequency attached by ClinVar (database versions not stated): gnomAD exomes 0.00007; ESP Exome Variant Server 0.00008; ExAC 0.00011.

Submission:

Ambry Genetics
Classification: Uncertain significance for Inborn genetic diseases. Last evaluated: 2021-01-27. Review status: criteria provided, single submitter. Criteria: Ambry Variant Classification Scheme 2023. Collection method: clinical testing. Allele origin: germline.
Comment: The c.382G>A (p.A128T) alteration is located in exon 3 (coding exon 3) of the RNF168 gene. This alteration results from a G to A substitution at nucleotide position 382, causing the alanine (A) at amino acid position 128 to be replaced by a threonine (T). The p.A128T alteration is predicted to be tolerated by in silico analysis. Based on insufficient or conflicting evidence, the clinical significance of this alteration remains unclear.

NM_152617.4(RNF168):c.382G>A (p.Ala128Thr)

Gene: RNF168 (ring finger protein 168; minus strand). Cytogenetic location: 3q29.
Variant type: single nucleotide variant.
Coding change: c.382G>A on transcript NM_152617.4 (MANE Select); coding-DNA position 382, G replaced by A.
Protein change: p.Ala128Thr; replaces alanine 128 with threonine.
Molecular consequence: missense variant.
Genome position (GRCh38, 1-based): chr3:196,487,575, C>T on the plus strand (G>A on the coding strand, the complement: RNF168 is on the minus strand). VCF-style: chr3-196487575-C-T. GRCh37 (hg19) VCF-style: chr3-196214446-C-T.
Other names: short protein forms A128T.
Identifiers: ClinVar variation 2212659 (VCV002212659.2), dbSNP rs139447219, ClinGen allele CA2780946.